The following is an entry in ClinVar:

ClinVar aggregate classification (germline): Conflicting classifications of pathogenicity. Review status: criteria provided, conflicting classifications (1 of 4 stars). 5 submissions from 5 submitters: Uncertain significance (3); Likely benign (1). 1 of the submissions does not count toward it. Last evaluated 2026-01-28.

Conditions:
Autosomal recessive limb-girdle muscular dystrophy. Identifiers: Orphanet 102015, MedGen C2931907, MONDO:0015152.
Neuromuscular disease caused by qualitative or quantitative defects of dysferlin. Also called: Dysferlinopathy; Qualitative or quantitative defects of dysferlin. Identifiers: Orphanet 207073, MedGen C2931687, MONDO:0016145.
Autosomal recessive limb-girdle muscular dystrophy type 2B (LGMDR2). Also called: MUSCULAR DYSTROPHY, LIMB-GIRDLE, TYPE 3; Limb-girdle muscular dystrophy, type 2B; MUSCULAR DYSTROPHY, LIMB-GIRDLE, AUTOSOMAL RECESSIVE 2; Limb-Girdle Muscular Dystrophy Type 2B (LGMD2B). Identifiers: Orphanet 268, MedGen C1850889, MONDO:0009676, OMIM 253601.

Allele frequency attached by ClinVar (database versions not stated): ExAC 0.00005; gnomAD 0.00006 and 0.00007; gnomAD exomes 0.00006; TOPMed 0.00007; ESP Exome Variant Server 0.00008; 1000 Genomes Project 0.00040; 1000 Genomes Project 30x 0.00047.
gnomAD v4.1: 80 of 1,614,124 alleles (0.005%); highest among the groups gnomAD compares: East Asian, 0.051%; no homozygotes.

Submissions (5):

Labcorp Genetics (formerly Invitae), Labcorp
Classification: Likely benign for Neuromuscular disease caused by qualitative or quantitative defects of dysferlin. Last evaluated: 2026-01-28. Review status: criteria provided, single submitter. Criteria: Invitae Variant Classification Sherloc (09022015). Collection method: clinical testing. Allele origin: germline.

Myriad Genetics, Inc.
Classification: Uncertain significance for Autosomal recessive limb-girdle muscular dystrophy. Last evaluated: 2025-09-12. Review status: criteria provided, single submitter. Criteria: Myriad Autosomal Dominant, Autosomal Recessive and X-Linked Classification Criteria (2023). Collection method: clinical testing. Allele origin: unknown.
Comment: NM_003494.3(DYSF):c.6130C>T(R2044W) is a missense variant classified as a variant of uncertain significance in the context of dysferlinopathy. R2044W has not been observed in cases with relevant disease. Relevant functional assessments of this variant are not available in the literature. R2044W has been observed in referenced population frequency databases. In summary, there is insufficient evidence to classify NM_003494.3(DYSF):c.6130C>T(R2044W) as pathogenic or benign. Please note: this variant was assessed in the context of healthy population screening.

Revvity Omics, Revvity
Classification: Uncertain significance. Last evaluated: 2020-11-16. Review status: criteria provided, single submitter. Criteria: ACMG Guidelines, 2015. Collection method: clinical testing. Allele origin: germline.

GeneDx
Classification: Uncertain significance. Last evaluated: 2020-01-02. Review status: criteria provided, single submitter. Criteria: GeneDx Variant Classification Process June 2021. Collection method: clinical testing. Allele origin: germline. Affected: yes.
Comment: In silico analysis, which includes protein predictors and evolutionary conservation, supports a deleterious effect; Has not been previously published as pathogenic or benign to our knowledge

Natera, Inc.
Classification: Uncertain significance for Limb-girdle muscular dystrophy type 2B. Last evaluated: 2019-10-28. Review status: no assertion criteria provided. Collection method: clinical testing. Allele origin: germline. Not counted in ClinVar's aggregate classification.

NM_001130987.2(DYSF):c.6247C>T (p.Arg2083Trp)

Gene: DYSF (dysferlin; plus strand). Cytogenetic location: 2p13.2.
Variant type: single nucleotide variant.
Coding change: c.6247C>T on transcript NM_001130987.2 (MANE Select); coding-DNA position 6247, C replaced by T.
Protein change: p.Arg2083Trp; replaces arginine 2083 with tryptophan.
Molecular consequence: missense variant.
Genome position (GRCh38, 1-based): chr2:71,682,603, C>T. VCF-style: chr2-71682603-C-T. GRCh37 (hg19) VCF-style: chr2-71909733-C-T.
Other names: c.6133C>T, p.Arg2045Trp (NM_001130455.2); c.6088C>T, p.Arg2030Trp (NM_001130976.2); c.6151C>T, p.Arg2051Trp (NM_001130977.2); c.6193C>T, p.Arg2065Trp (NM_001130978.2); c.6223C>T, p.Arg2075Trp (NM_001130979.2); c.6181C>T, p.Arg2061Trp (NM_001130980.2); c.6244C>T, p.Arg2082Trp (NM_001130981.2); c.6226C>T, p.Arg2076Trp (NM_001130982.2); and 5 more; short protein forms R2083W, R2044W, R2030W, R2031W, R2045W, R2051W, R2052W, R2062W.
Identifiers: ClinVar variation 471324 (VCV000471324.12), dbSNP rs185617318, ClinGen allele CA1707654.